The following is an entry in ClinVar:

NM_002577.4(PAK2):c.434C>G (p.Pro145Arg)

Gene: PAK2 (p21 (RAC1) activated kinase 2; plus strand). Cytogenetic location: 3q29.
Variant type: single nucleotide variant.
Coding change: c.434C>G on transcript NM_002577.4 (MANE Select); coding-DNA position 434, C replaced by G.
Protein change: p.Pro145Arg; replaces proline 145 with arginine.
Molecular consequence: missense variant.
Genome position (GRCh38, 1-based): chr3:196,803,162, C>G. VCF-style: chr3-196803162-C-G. GRCh37 (hg19) VCF-style: chr3-196530033-C-G.
Other names: short protein forms P145R.
Identifiers: ClinVar variation 4849044 (VCV004849044.1).

ClinVar aggregate classification (germline): Uncertain significance (1 of 4 stars; one submission).

gnomAD v4.1: 1 of 1,602,868 alleles (0.000062%); highest among the groups gnomAD compares: Non-Finnish European, 0.000085%; no homozygotes.

Submission:

Women's Health and Genetics/Laboratory Corporation of America, LabCorp
Classification: Uncertain significance. Last evaluated: 2026-04-30. Review status: criteria provided, single submitter. Criteria: LabCorp Variant Classification Summary - May 2015. Collection method: clinical testing. Allele origin: germline.
Comment: Variant summary: PAK2 c.434C>G (p.Pro145Arg) results in a non-conservative amino acid change in the encoded protein sequence. Algorithms developed to predict the effect of missense changes on protein structure and function are either unavailable or do not agree on the potential impact of this missense change. Consensus agreement among computation tools predict no significant impact on normal splicing. However, these predictions have yet to be confirmed by functional studies. The variant was absent in 239142 control chromosomes. The available data on variant occurrences in the general population are insufficient to allow any conclusion about variant significance. To our knowledge, no occurrence of c.434C>G in individuals affected with PAK2-related conditions and no experimental evidence demonstrating its impact on protein function have been reported. No submitters have cited clinical-significance assessments for this variant to ClinVar. Based on the evidence outlined above, the variant was classified as uncertain significance.